The following is an entry in ClinVar:

NM_005984.5(SLC25A1):c.747+21_747+31del

Gene: SLC25A1 (solute carrier family 25 member 1; minus strand). Cytogenetic location: 22q11.21.
Variant type: Deletion.
Coding change: c.747+21_747+31del on transcript NM_005984.5 (MANE Select); bases 21 to 31 of the intron after coding-DNA position 747, 11 bases deleted (AGGGGAAGGGG).
Molecular consequence: intron variant.
Genome position (GRCh38, 1-based): chr22:19,176,547-19,176,557, CCCCTTCCCCT deleted on the plus strand (AGGGGAAGGGG on the coding strand, the reverse complement: SLC25A1 is on the minus strand); deleting any 11 consecutive bases within chr22:19,176,547-19,176,566 gives the same sequence; the c. name uses the placement nearest the transcript's 3' end. VCF-style (leftmost placement, unchanged base first): chr22-19176546-CCCCCTTCCCCT-C. GRCh37 (hg19) VCF-style: chr22-19164059-CCCCCTTCCCCT-C.
Other names: c.438+21_438+31del (NM_001287387.2); c.768+21_768+31del (NM_001256534.2).
Identifiers: ClinVar variation 3029293 (VCV003029293.2), dbSNP rs2083963051, ClinGen allele CA638503314.

ClinVar aggregate classification (germline): Uncertain significance (0 of 4 stars; one submission).

Conditions:
SLC25A1-related disorder. Also called: SLC25A1-related condition.

Submission:

PreventionGenetics, part of Exact Sciences
Classification: Uncertain significance for SLC25A1-related condition. Last evaluated: 2024-01-22. Review status: no assertion criteria provided. Collection method: clinical testing. Allele origin: germline.
Comment: The SLC25A1 c.747+21_747+31del11 variant is predicted to result in an intronic deletion. To our knowledge, this variant has not been reported in the literature or in a large population database, indicating this variant is rare. At this time, the clinical significance of this variant is uncertain due to the absence of conclusive functional and genetic evidence.